The following is an entry in ClinVar:

NM_001330260.2(SCN8A):c.5362T>G (p.Phe1788Val)

Gene: SCN8A (sodium voltage-gated channel alpha subunit 8; plus strand). Cytogenetic location: 12q13.13.
Variant type: single nucleotide variant.
Coding change: c.5362T>G on transcript NM_001330260.2 (MANE Select); coding-DNA position 5362, T replaced by G.
Protein change: p.Phe1788Val; replaces phenylalanine 1788 with valine.
Molecular consequence: missense variant.
Genome position (GRCh38, 1-based): chr12:51,806,848, T>G. VCF-style: chr12-51806848-T-G. GRCh37 (hg19) VCF-style: chr12-52200632-T-G.
Other names: c.5239T>G, p.Phe1747Val (NM_001177984.3, NM_001369788.1); c.5362T>G, p.Phe1788Val (NM_014191.4); short protein forms F1747V, F1788V.
Identifiers: ClinVar variation 2505215 (VCV002505215.1), dbSNP rs2540334927, ClinGen allele CA384885545.

ClinVar aggregate classification (germline): Uncertain significance (1 of 4 stars; one submission).

Submission:

Greenwood Genetic Center Diagnostic Laboratories, Greenwood Genetic Center
Classification: Uncertain significance. Last evaluated: 2023-03-23. Review status: criteria provided, single submitter. Criteria: ACMG Guidelines, 2015. Collection method: clinical testing. Allele origin: germline. Affected: yes.
Comment: PM2, PP3, PP2